The following is an entry in ClinVar:

ClinVar aggregate classification (germline): Uncertain significance (1 of 4 stars; one submission).

Conditions:
Cardiovascular phenotype. Identifiers: MedGen CN230736.

Submission:

Ambry Genetics
Classification: Uncertain significance for Cardiovascular phenotype. Last evaluated: 2025-05-05. Review status: criteria provided, single submitter. Criteria: Ambry Variant Classification Scheme 2023. Collection method: clinical testing. Allele origin: germline.
Comment: The p.M134I variant (also known as c.402G>T), located in coding exon 3 of the CSRP3 gene, results from a G to T substitution at nucleotide position 402. The methionine at codon 134 is replaced by isoleucine, an amino acid with highly similar properties. This amino acid position is conserved. In addition, the in silico prediction for this alteration is inconclusive. Based on the available evidence, the clinical significance of this variant remains unclear.

NM_003476.5(CSRP3):c.402G>T (p.Met134Ile)

Gene: CSRP3 (cysteine and glycine rich protein 3; minus strand). Cytogenetic location: 11p15.1.
Variant type: single nucleotide variant.
Coding change: c.402G>T on transcript NM_003476.5 (MANE Select); coding-DNA position 402, G replaced by T.
Protein change: p.Met134Ile; replaces methionine 134 with isoleucine.
Molecular consequence: missense variant.
Genome position (GRCh38, 1-based): chr11:19,186,228, C>A on the plus strand (G>T on the coding strand, the complement: CSRP3 is on the minus strand). VCF-style: chr11-19186228-C-A. GRCh37 (hg19) VCF-style: chr11-19207775-C-A.
Other names: c.233G>T, p.Trp78Leu (NM_001369404.1); short protein forms M134I, W78L.
Identifiers: ClinVar variation 4007722 (VCV004007722.1).